The following is an entry in ClinVar:

ClinVar aggregate classification (germline): Uncertain significance (1 of 4 stars; one submission).

Conditions:
TRADD-related disorder. Also called: TRADD-related condition.

Allele frequency attached by ClinVar (database versions not stated): 1000 Genomes Project 0.00040; 1000 Genomes Project 30x 0.00047; TOPMed 0.00085; gnomAD 0.00111; ExAC 0.00146.
gnomAD v4.1: 1,832 of 1,584,962 alleles (0.12%); highest among the groups gnomAD compares: Non-Finnish European, 0.13%; 6 homozygotes.

Submission:

PreventionGenetics, part of Exact Sciences
Classification: Uncertain significance for TRADD-related condition. Last evaluated: 2023-05-18. Review status: criteria provided, single submitter. Criteria: ACMG Guidelines, 2015. Collection method: clinical testing. Allele origin: germline.
Comment: The TRADD c.332C>T variant is predicted to result in the amino acid substitution p.Ser111Leu. This variant was reported in an individual with B-lineage-acute lymphoblastic leukemia (B-ALL, Dechant et al. 2008. PubMed ID: 18661484). This variant is reported in 0.20% of alleles in individuals of European (Non-Finnish) descent in gnomAD. At this time, the clinical significance of this variant is uncertain due to the absence of conclusive functional and genetic evidence.

NM_003789.4(TRADD):c.332C>T (p.Ser111Leu)

Genes: TRADD (TNFRSF1A associated via death domain; minus strand), LOC130059179 (ATAC-STARR-seq lymphoblastoid silent region 7582; plus strand). Cytogenetic location: 16q22.1.
Variant type: single nucleotide variant.
Coding change: c.332C>T on transcript NM_003789.4 (MANE Select); coding-DNA position 332, C replaced by T.
Protein change: p.Ser111Leu; replaces serine 111 with leucine.
Molecular consequence: missense variant.
Genome position (GRCh38, 1-based): chr16:67,155,474, G>A on the plus strand (C>T on the coding strand, the complement: TRADD is on the minus strand). VCF-style: chr16-67155474-G-A. GRCh37 (hg19) VCF-style: chr16-67189377-G-A.
Other names: c.332C>T, p.Ser111Leu (NM_001323552.2); short protein forms S111L.
Identifiers: ClinVar variation 2632423 (VCV002632423.1), dbSNP rs201869508, ClinGen allele CA8101291.